The following is an entry in ClinVar:

NM_001378452.1(ITPR1):c.7597G>A (p.Glu2533Lys)

Genes: ITPR1 (inositol 1,4,5-trisphosphate receptor type 1; plus strand), LOC126806590 (MED14-independent group 3 enhancer GRCh37_chr3:4855759-4856958; plus strand). Cytogenetic location: 3p26.1.
Variant type: single nucleotide variant.
Coding change: c.7597G>A on transcript NM_001378452.1 (MANE Select); coding-DNA position 7597, G replaced by A.
Protein change: p.Glu2533Lys; replaces glutamic acid 2533 with lysine.
Molecular consequence: missense variant.
Genome position (GRCh38, 1-based): chr3:4,814,458, G>A. VCF-style: chr3-4814458-G-A. GRCh37 (hg19) VCF-style: chr3-4856142-G-A.
Other names: c.7453G>A, p.Glu2485Lys (NM_001099952.4); c.7552G>A, p.Glu2518Lys (NM_001168272.2); c.7408G>A, p.Glu2470Lys (NM_002222.7); short protein forms E2470K, E2485K, E2518K, E2533K.
Identifiers: ClinVar variation 3360768 (VCV003360768.1).
Genomic context (GRCh38, chr3:4,814,458, plus strand): 5'-CTGTTGTTACTTGCCGTGTTCACAGAGCTGGTCCCTGCAGAAGAGACGGAACAGGATAAA[G>A]AGCACACATGTGAGACGCTGCTGATGTGCATTGTCACTGTGCTGAGTCACGGGCTGCGGA-3'
Protein context (NP_001365381.1, residues 2523-2543): VPAEETEQDK[Glu2533Lys]HTCETLLMCI

ClinVar aggregate classification (germline): Uncertain significance (1 of 4 stars; one submission).

gnomAD v4.1: 1 of 1,613,944 alleles (0.000062%); highest among the groups gnomAD compares: Non-Finnish European, 0.000085%; no homozygotes.

Submission:

GeneDx
Classification: Uncertain significance. Last evaluated: 2023-06-30. Review status: criteria provided, single submitter. Criteria: GeneDx Variant Classification Process June 2021. Collection method: clinical testing. Allele origin: germline. Affected: yes.
Comment: Not observed at significant frequency in large population cohorts (gnomAD); In silico analysis supports that this missense variant has a deleterious effect on protein structure/function; Has not been previously published as pathogenic or benign to our knowledge